The following is an entry in ClinVar:

NM_004974.4(KCNA2):c.1242C>G (p.Asn414Lys)

Gene: KCNA2 (potassium voltage-gated channel subfamily A member 2; minus strand). Cytogenetic location: 1p13.3.
Variant type: single nucleotide variant.
Coding change: c.1242C>G on transcript NM_004974.4 (MANE Select); coding-DNA position 1242, C replaced by G.
Protein change: p.Asn414Lys; replaces asparagine 414 with lysine.
Molecular consequence: missense variant. On other transcripts: intron variant (1).
Genome position (GRCh38, 1-based): chr1:110,603,541, G>C on the plus strand (C>G on the coding strand, the complement: KCNA2 is on the minus strand). VCF-style: chr1-110603541-G-C. GRCh37 (hg19) VCF-style: chr1-111146163-G-C.
Other names: c.894+348C>G (NM_001204269.2); short protein forms N414K.
Identifiers: ClinVar variation 662361 (VCV000662361.9), dbSNP rs749520613, ClinGen allele CA341601170.

ClinVar aggregate classification (germline): Uncertain significance (1 of 4 stars; one submission).

Conditions:
Developmental and epileptic encephalopathy, 32 (DEE32). Also called: Epileptic encephalopathy, early infantile, 32. Identifiers: Orphanet 442835, MedGen C4225350, MONDO:0014607, OMIM 616366.

Submission:

Labcorp Genetics (formerly Invitae), Labcorp
Classification: Uncertain significance for Developmental and epileptic encephalopathy, 32. Last evaluated: 2018-08-28. Review status: criteria provided, single submitter. Criteria: Invitae Variant Classification Sherloc (09022015). Collection method: clinical testing. Allele origin: germline.
Comment: Algorithms developed to predict the effect of sequence changes on RNA splicing suggest that this variant may create or strengthen a splice site, but this prediction has not been confirmed by published transcriptional studies. In summary, the available evidence is currently insufficient to determine the role of this variant in disease. Therefore, it has been classified as a Variant of Uncertain Significance. Algorithms developed to predict the effect of missense changes on protein structure and function (SIFT, PolyPhen-2, Align-GVGD) all suggest that this variant is likely to be disruptive, but these predictions have not been confirmed by published functional studies and their clinical significance is uncertain. This sequence change replaces asparagine with lysine at codon 414 of the KCNA2 protein (p.Asn414Lys). The asparagine residue is highly conserved and there is a moderate physicochemical difference between asparagine and lysine. This variant is not present in population databases (ExAC no frequency). This variant has not been reported in the literature in individuals with KCNA2-related disease.